The following is an entry in ClinVar:

ClinVar aggregate classification (germline): Pathogenic (1 of 4 stars; one submission).

Conditions:
Hereditary cancer-predisposing syndrome. Also called: Tumor predisposition; Neoplastic Syndromes, Hereditary; Hereditary Cancer Syndrome; Hereditary neoplastic syndrome. Identifiers: Orphanet 140162, MedGen C0027672, MeSH D009386, MONDO:0015356.

Submission:

Ambry Genetics
Classification: Pathogenic for Hereditary cancer-predisposing syndrome. Last evaluated: 2019-03-14. Review status: criteria provided, single submitter. Criteria: Ambry Variant Classification Scheme 2023. Collection method: clinical testing. Allele origin: germline.
Comment: The c.8533delT pathogenic mutation, located in coding exon 57 of the ATM gene, results from a deletion of one nucleotide at nucleotide position 8533, causing a translational frameshift with a predicted alternate stop codon (p.W2845Gfs*12). This alteration is expected to result in loss of function by premature protein truncation or nonsense-mediated mRNA decay. As such, this alteration is interpreted as a disease-causing mutation.

NM_000051.4(ATM):c.8533del (p.Trp2845fs)

Genes: ATM (ATM serine/threonine kinase; plus strand), C11orf65 (chromosome 11 open reading frame 65; minus strand). Cytogenetic location: 11q22.3.
Variant type: Deletion.
Coding change: c.8533del on transcript NM_000051.4 (MANE Select); coding-DNA position 8533, one base deleted (T; older notation c.8533delT).
Protein change: p.Trp2845fs; shifts the reading frame from tryptophan 2845.
Molecular consequence: frameshift variant. On other transcripts: intron variant (2).
Genome position (GRCh38, 1-based): chr11:108,345,857, T deleted; the last of 3 consecutive T bases (chr11:108,345,855-108,345,857); deleting any one gives the same sequence. VCF-style (leftmost placement, unchanged base first): chr11-108345854-AT-A. GRCh37 (hg19) VCF-style: chr11-108216581-AT-A.
Other names: c.8533del, p.Trp2845fs (NM_001351834.2); c.641-36784del (NM_001330368.2); c.695-10563del (NM_001351110.2); short protein forms W2845fs.
Identifiers: ClinVar variation 822541 (VCV000822541.6), dbSNP rs1591265186, ClinGen allele CA915948330.